The following is an entry in ClinVar:

ClinVar aggregate classification (germline): Benign. Review status: criteria provided, multiple submitters, no conflicts (2 of 4 stars). 2 submissions from 2 submitters: Benign (2). Last evaluated 2018-06-16.

Allele frequency attached by ClinVar (database versions not stated): TOPMed 0.32296; gnomAD 0.33902; 1000 Genomes Project 30x 0.34697; 1000 Genomes Project 0.34964.
gnomAD v4.1: 277,139 of 728,240 alleles (38%); highest among the groups gnomAD compares: Admixed American, 49%; 57,950 homozygotes.

Submissions (2):

GeneDx
Classification: Benign. Last evaluated: 2018-06-16. Review status: criteria provided, single submitter. Criteria: GeneDx Variant Classification (06012015). Collection method: clinical testing. Allele origin: germline. Affected: yes.
Comment: This variant is considered likely benign or benign based on one or more of the following criteria: it is a conservative change, it occurs at a poorly conserved position in the protein, it is predicted to be benign by multiple in silico algorithms, and/or has population frequency not consistent with disease.

Breakthrough Genomics
Classification: Benign. Review status: criteria provided, single submitter. Criteria: ACMG Guidelines, 2015. Collection method: not provided. Allele origin: germline. Inheritance: Autosomal dominant inheritance. Affected: yes.

NM_017780.4(CHD7):c.2376+147C>A

Gene: CHD7 (chromodomain helicase DNA binding protein 7; plus strand). Cytogenetic location: 8q12.2.
Variant type: single nucleotide variant.
Coding change: c.2376+147C>A on transcript NM_017780.4 (MANE Select); 147 bases into the intron after coding-DNA position 2376, C replaced by A.
Molecular consequence: intron variant.
Genome position (GRCh38, 1-based): chr8:60,800,672, C>A. VCF-style: chr8-60800672-C-A. GRCh37 (hg19) VCF-style: chr8-61713231-C-A.
Other names: c.1716+19622C>A (NM_001316690.1).
Identifiers: ClinVar variation 676842 (VCV000676842.2), dbSNP rs3890803, ClinGen allele CA15544183.